The following is an entry in ClinVar:

NM_000257.4(MYH7):c.1075T>G (p.Phe359Val)

Gene: MYH7 (myosin heavy chain 7; minus strand). Cytogenetic location: 14q11.2.
Variant type: single nucleotide variant.
Coding change: c.1075T>G on transcript NM_000257.4 (MANE Select); coding-DNA position 1075, T replaced by G.
Protein change: p.Phe359Val; replaces phenylalanine 359 with valine.
Molecular consequence: missense variant.
Genome position (GRCh38, 1-based): chr14:23,429,838, A>C on the plus strand (T>G on the coding strand, the complement: MYH7 is on the minus strand). VCF-style: chr14-23429838-A-C. GRCh37 (hg19) VCF-style: chr14-23899047-A-C.
Other names: short protein forms F359V.
Identifiers: ClinVar variation 1332683 (VCV001332683.4), dbSNP rs2138677363, ClinGen allele CA389051413.

ClinVar aggregate classification (germline): Uncertain significance (1 of 4 stars; one submission).

Conditions:
Cardiomyopathy (CMYO). Also called: Cardiomyopathies. Identifiers: Orphanet 167848, MedGen C0878544, MONDO:0004994, HP:0001638. Inheritance: Various modes of inheritance.

Allele frequency attached by ClinVar (database versions not stated): gnomAD exomes below 0.00001.
gnomAD v4.1: 2 of 1,613,974 alleles (0.00012%); highest among the groups gnomAD compares: Non-Finnish European, 0.00017%; no homozygotes.

Submission:

Color Diagnostics, LLC DBA Color Health
Classification: Uncertain significance for Cardiomyopathy. Last evaluated: 2022-01-03. Review status: criteria provided, single submitter. Criteria: ACMG Guidelines, 2015. Collection method: clinical testing. Allele origin: germline.
Comment: This missense variant replaces phenylalanine with valine at codon 359 of the MYH7 protein. Computational prediction is inconclusive regarding the impact of this variant on protein structure and function (internally defined REVEL score threshold 0.5 < inconclusive < 0.7, PMID: 27666373). To our knowledge, functional studies have not been reported for this variant. This variant has been reported in an individual affected with hypertrophic cardiomyopathy (PMID: 30696458). This variant has not been identified in the general population by the Genome Aggregation Database (gnomAD). The available evidence is insufficient to determine the role of this variant in disease conclusively. Therefore, this variant is classified as a Variant of Uncertain Significance.

Literature cited by the submitters: PubMed 30696458.